The following is an entry in ClinVar:

NM_001080453.3(INTS1):c.5456A>C (p.Glu1819Ala)

Gene: INTS1 (integrator complex subunit 1; minus strand). Cytogenetic location: 7p22.3.
Variant type: single nucleotide variant.
Coding change: c.5456A>C on transcript NM_001080453.3 (MANE Select); coding-DNA position 5456, A replaced by C.
Protein change: p.Glu1819Ala; replaces glutamic acid 1819 with alanine.
Molecular consequence: missense variant.
Genome position (GRCh38, 1-based): chr7:1,475,994, T>G on the plus strand (A>C on the coding strand, the complement: INTS1 is on the minus strand). VCF-style: chr7-1475994-T-G. GRCh37 (hg19) VCF-style: chr7-1515630-T-G.
Other names: short protein forms E1819A.
Identifiers: ClinVar variation 4976431 (VCV004976431.1).

ClinVar aggregate classification (germline): Uncertain significance (1 of 4 stars; one submission).

Submission:

GeneDx
Classification: Uncertain significance. Last evaluated: 2026-02-12. Review status: criteria provided, single submitter. Criteria: GeneDx Variant Classification Process June 2021. Collection method: clinical testing. Allele origin: germline.
Comment: Not observed at significant frequency in large population cohorts (gnomAD); In silico analysis suggests that this missense variant does not alter protein structure/function; Has not been previously published as pathogenic or benign to our knowledge